The following is an entry in ClinVar:

NM_000530.8(MPZ):c.496del (p.Leu166fs)

Gene: MPZ (myelin protein zero; minus strand). Cytogenetic location: 1q23.3.
Variant type: Deletion.
Coding change: c.496del on transcript NM_000530.8 (MANE Select); coding-DNA position 496, one base deleted (C; older notation c.496delC).
Protein change: p.Leu166fs; shifts the reading frame from leucine 166.
Molecular consequence: frameshift variant.
Genome position (GRCh38, 1-based): chr1:161,306,417, G deleted on the plus strand (C on the coding strand, the reverse complement: MPZ is on the minus strand); the first of 2 consecutive G bases (chr1:161,306,417-161,306,418); deleting either gives the same sequence. VCF-style (leftmost placement, unchanged base first): chr1-161306416-AG-A. GRCh37 (hg19) VCF-style: chr1-161276206-AG-A.
Other names: c.496del, p.Leu166fs (NM_001315491.2); short protein forms L166fs.
Identifiers: ClinVar variation 2027108 (VCV002027108.4), dbSNP rs2526236168, ClinGen allele CA2580061313.

ClinVar aggregate classification (germline): Pathogenic (1 of 4 stars; one submission).

Conditions:
Charcot-Marie-Tooth disease, type I (CMT1). Also called: Charcot-Marie-Tooth, Type 1; Charcot-Marie-Tooth disease type 1. Identifiers: Orphanet 65753, MedGen C0751036, MONDO:0019011.

Submission:

Labcorp Genetics (formerly Invitae), Labcorp
Classification: Pathogenic for Charcot-Marie-Tooth disease, type I. Last evaluated: 2022-08-25. Review status: criteria provided, single submitter. Criteria: Invitae Variant Classification Sherloc (09022015). Collection method: clinical testing. Allele origin: germline.
Comment: This sequence change results in a frameshift in the MPZ gene (p.Leu166Serfs*86). While this is not anticipated to result in nonsense mediated decay, it is expected to disrupt the last 83 amino acid(s) of the MPZ protein and extend the protein by 2 additional amino acid residues. This variant is not present in population databases (gnomAD no frequency). This variant has not been reported in the literature in individuals affected with MPZ-related conditions. This variant disrupts a region of the MPZ protein in which other variant(s) (p.Thr216Asnfs*19) have been determined to be pathogenic (PMID: 26310628). This suggests that this is a clinically significant region of the protein, and that variants that disrupt it are likely to be disease-causing. For these reasons, this variant has been classified as Pathogenic.

Literature cited by the submitters: PubMed 26310628.